The following continues an entry in ClinVar:

NM_012263.5(TTLL1):c.894G>A (p.Pro298=)

ClinVar aggregate classification (germline): Benign. Benign (2).

Submissions 34 to 61 of 61:

Dr. Peter K. Rogan Lab, Western University
No classification provided (evidence only). Condition: Gastric cancer. Review status: no classification provided. Collection method: in vitro. Allele origin: not applicable. Functional consequence: retained intron. Not counted in ClinVar's aggregate classification.

Dr. Peter K. Rogan Lab, Western University
No classification provided (evidence only). Condition: Gastric cancer. Review status: no classification provided. Collection method: in vitro. Allele origin: not applicable. Functional consequence: retained intron. Not counted in ClinVar's aggregate classification.

Dr. Peter K. Rogan Lab, Western University
No classification provided (evidence only). Condition: Gastric cancer. Review status: no classification provided. Collection method: in vitro. Allele origin: not applicable. Functional consequence: retained intron. Not counted in ClinVar's aggregate classification.

Dr. Peter K. Rogan Lab, Western University
No classification provided (evidence only). Condition: Gastric cancer. Review status: no classification provided. Collection method: in vitro. Allele origin: not applicable. Functional consequence: cryptic splice site, retained intron. Not counted in ClinVar's aggregate classification.

Dr. Peter K. Rogan Lab, Western University
No classification provided (evidence only). Condition: Gastric cancer. Review status: no classification provided. Collection method: in vitro. Allele origin: not applicable. Functional consequence: retained intron. Not counted in ClinVar's aggregate classification.

Dr. Peter K. Rogan Lab, Western University
No classification provided (evidence only). Condition: Gastric cancer. Review status: no classification provided. Collection method: in vitro. Allele origin: not applicable. Functional consequence: retained intron. Not counted in ClinVar's aggregate classification.

Dr. Peter K. Rogan Lab, Western University
No classification provided (evidence only). Condition: Gastric cancer. Review status: no classification provided. Collection method: in vitro. Allele origin: not applicable. Functional consequence: retained intron. Not counted in ClinVar's aggregate classification.

Dr. Peter K. Rogan Lab, Western University
No classification provided (evidence only). Condition: Gastric cancer. Review status: no classification provided. Collection method: in vitro. Allele origin: not applicable. Functional consequence: retained intron. Not counted in ClinVar's aggregate classification.

Dr. Peter K. Rogan Lab, Western University
No classification provided (evidence only). Condition: Gastric cancer. Review status: no classification provided. Collection method: in vitro. Allele origin: not applicable. Functional consequence: retained intron. Not counted in ClinVar's aggregate classification.

Dr. Peter K. Rogan Lab, Western University
No classification provided (evidence only). Condition: Adrenocortical carcinoma, hereditary. Review status: no classification provided. Collection method: in vitro. Allele origin: not applicable. Functional consequence: skipped exon, retained intron. Not counted in ClinVar's aggregate classification.

Dr. Peter K. Rogan Lab, Western University
No classification provided (evidence only). Condition: Adrenocortical carcinoma, hereditary. Review status: no classification provided. Collection method: in vitro. Allele origin: not applicable. Functional consequence: skipped exon. Not counted in ClinVar's aggregate classification.

Dr. Peter K. Rogan Lab, Western University
No classification provided (evidence only). Condition: Uterine carcinosarcoma. Review status: no classification provided. Collection method: in vitro. Allele origin: not applicable. Functional consequence: retained intron. Not counted in ClinVar's aggregate classification.

Dr. Peter K. Rogan Lab, Western University
No classification provided (evidence only). Condition: Uterine carcinosarcoma. Review status: no classification provided. Collection method: in vitro. Allele origin: not applicable. Functional consequence: retained intron. Not counted in ClinVar's aggregate classification.

Dr. Peter K. Rogan Lab, Western University
No classification provided (evidence only). Condition: Uveal melanoma. Review status: no classification provided. Collection method: in vitro. Allele origin: not applicable. Functional consequence: retained intron. Not counted in ClinVar's aggregate classification.

Dr. Peter K. Rogan Lab, Western University
No classification provided (evidence only). Condition: Uveal melanoma. Review status: no classification provided. Collection method: in vitro. Allele origin: not applicable. Functional consequence: retained intron. Not counted in ClinVar's aggregate classification.

Dr. Peter K. Rogan Lab, Western University
No classification provided (evidence only). Condition: Uveal melanoma. Review status: no classification provided. Collection method: in vitro. Allele origin: not applicable. Functional consequence: skipped exon, retained intron. Not counted in ClinVar's aggregate classification.

Dr. Peter K. Rogan Lab, Western University
No classification provided (evidence only). Condition: Uveal melanoma. Review status: no classification provided. Collection method: in vitro. Allele origin: not applicable. Functional consequence: skipped exon, retained intron. Not counted in ClinVar's aggregate classification.

Dr. Peter K. Rogan Lab, Western University
No classification provided (evidence only). Condition: Uveal melanoma. Review status: no classification provided. Collection method: in vitro. Allele origin: not applicable. Functional consequence: retained intron. Not counted in ClinVar's aggregate classification.

Dr. Peter K. Rogan Lab, Western University
No classification provided (evidence only). Condition: Uveal melanoma. Review status: no classification provided. Collection method: in vitro. Allele origin: not applicable. Functional consequence: retained intron. Not counted in ClinVar's aggregate classification.

Dr. Peter K. Rogan Lab, Western University
No classification provided (evidence only). Condition: Uveal melanoma. Review status: no classification provided. Collection method: in vitro. Allele origin: not applicable. Functional consequence: retained intron. Not counted in ClinVar's aggregate classification.

Dr. Peter K. Rogan Lab, Western University
No classification provided (evidence only). Condition: Uveal melanoma. Review status: no classification provided. Collection method: in vitro. Allele origin: not applicable. Functional consequence: retained intron. Not counted in ClinVar's aggregate classification.

Dr. Peter K. Rogan Lab, Western University
No classification provided (evidence only). Condition: Malignant tumor of esophagus. Review status: no classification provided. Collection method: in vitro. Allele origin: not applicable. Functional consequence: retained intron. Not counted in ClinVar's aggregate classification.

Dr. Peter K. Rogan Lab, Western University
No classification provided (evidence only). Condition: Malignant tumor of esophagus. Review status: no classification provided. Collection method: in vitro. Allele origin: not applicable. Functional consequence: retained intron. Not counted in ClinVar's aggregate classification.

Dr. Peter K. Rogan Lab, Western University
No classification provided (evidence only). Condition: Malignant tumor of esophagus. Review status: no classification provided. Collection method: in vitro. Allele origin: not applicable. Functional consequence: retained intron. Not counted in ClinVar's aggregate classification.

Dr. Peter K. Rogan Lab, Western University
No classification provided (evidence only). Condition: Malignant tumor of esophagus. Review status: no classification provided. Collection method: in vitro. Allele origin: not applicable. Functional consequence: retained intron. Not counted in ClinVar's aggregate classification.

Dr. Peter K. Rogan Lab, Western University
No classification provided (evidence only). Condition: Malignant tumor of esophagus. Review status: no classification provided. Collection method: in vitro. Allele origin: not applicable. Functional consequence: retained intron. Not counted in ClinVar's aggregate classification.

Dr. Peter K. Rogan Lab, Western University
No classification provided (evidence only). Condition: Malignant tumor of esophagus. Review status: no classification provided. Collection method: in vitro. Allele origin: not applicable. Functional consequence: retained intron. Not counted in ClinVar's aggregate classification.

Dr. Peter K. Rogan Lab, Western University
No classification provided (evidence only). Condition: Malignant tumor of esophagus. Review status: no classification provided. Collection method: in vitro. Allele origin: not applicable. Functional consequence: skipped exon. Not counted in ClinVar's aggregate classification.